The following is an entry in ClinVar:

NM_025137.4(SPG11):c.1385G>C (p.Cys462Ser)

Gene: SPG11 (SPG11 vesicle trafficking associated, spatacsin; minus strand). Cytogenetic location: 15q21.1.
Variant type: single nucleotide variant.
Coding change: c.1385G>C on transcript NM_025137.4 (MANE Select); coding-DNA position 1385, G replaced by C.
Protein change: p.Cys462Ser; replaces cysteine 462 with serine.
Molecular consequence: missense variant.
Genome position (GRCh38, 1-based): chr15:44,651,562, C>G on the plus strand (G>C on the coding strand, the complement: SPG11 is on the minus strand). VCF-style: chr15-44651562-C-G. GRCh37 (hg19) VCF-style: chr15-44943760-C-G.
Other names: c.1385G>C, p.Cys462Ser (NM_001160227.2, NM_001411132.1); short protein forms C462S.
Identifiers: ClinVar variation 1771381 (VCV001771381.2), dbSNP rs3759872, ClinGen allele CA392235955.

ClinVar aggregate classification (germline): Uncertain significance (1 of 4 stars; one submission).

Conditions:
Inborn genetic diseases. Identifiers: MedGen C0950123, MeSH D030342.

Submission:

Ambry Genetics
Classification: Uncertain significance for Inborn genetic diseases. Last evaluated: 2022-09-13. Review status: criteria provided, single submitter. Criteria: Ambry Variant Classification Scheme 2023. Collection method: clinical testing. Allele origin: germline.
Comment: The p.C462S variant (also known as c.1385G>C), located in coding exon 6 of the SPG11 gene, results from a G to C substitution at nucleotide position 1385. The cysteine at codon 462 is replaced by serine, an amino acid with dissimilar properties. This amino acid position is conserved. In addition, this alteration is predicted to be tolerated by in silico analysis. Since supporting evidence is limited at this time, the clinical significance of this alteration remains unclear.